The following is an entry in ClinVar:

ClinVar aggregate classification (germline): Likely benign (1 of 4 stars; one submission).

gnomAD v4.1: 64 of 1,288,396 alleles (0.005%); highest among the groups gnomAD compares: Middle Eastern, 0.064%; no homozygotes.

Submission:

CeGaT Center for Human Genetics Tuebingen
Classification: Likely benign. Last evaluated: 2026-05-01. Review status: criteria provided, single submitter. Criteria: CeGaT Center For Human Genetics Tuebingen Variant Classification Criteria Version 2. Collection method: clinical testing. Allele origin: germline. Affected: yes. Observed: 1 variant allele.
Comment: ANK2: BP4

NM_001148.6(ANK2):c.85-23328C>G

Gene: ANK2 (ankyrin 2; plus strand). Cytogenetic location: 4q25.
Variant type: single nucleotide variant.
Coding change: c.85-23328C>G on transcript NM_001148.6 (MANE Select); 23328 bases into the intron before coding-DNA position 85, C replaced by G.
Molecular consequence: intron variant. On other transcripts: missense variant (4).
Genome position (GRCh38, 1-based): chr4:113,151,088, C>G. VCF-style: chr4-113151088-C-G. GRCh37 (hg19) VCF-style: chr4-114072244-C-G.
Other names: c.135+5085C>G (NM_001386175.1, NM_001386174.1); c.130-23328C>G (NM_001354237.2, NM_001354230.2, NM_001354231.2 and 4 more transcripts); c.93C>G, p.Cys31Trp (NM_001354241.2); c.30C>G, p.Cys10Trp (NM_001354261.2, NM_001386147.1, NM_001386160.1); c.73-23328C>G (NM_001386186.2, NM_001386148.2, NM_001354269.3 and 1 more transcripts); c.22-23328C>G (NM_001354254.2, NM_001354239.2, NM_001354252.2 and 33 more transcripts); c.85-23328C>G (NM_001354225.2, NM_001354235.2, NM_001354246.2 and 9 more transcripts); short protein forms C10W, C31W.
Identifiers: ClinVar variation 4872133 (VCV004872133.2).